The following is an entry in ClinVar:

NM_138927.4(SON):c.2742T>A (p.Tyr914Ter)

Gene: SON (SON DNA and RNA binding protein; plus strand). Cytogenetic location: 21q22.11.
Variant type: single nucleotide variant.
Coding change: c.2742T>A on transcript NM_138927.4 (MANE Select); coding-DNA position 2742, T replaced by A.
Protein change: p.Tyr914Ter; replaces tyrosine 914 with a stop codon.
Molecular consequence: nonsense. On other transcripts: non-coding transcript variant (1), intron variant (1).
Genome position (GRCh38, 1-based): chr21:33,551,973, T>A. VCF-style: chr21-33551973-T-A. GRCh37 (hg19) VCF-style: chr21-34924279-T-A.
Other names: c.2742T>A, p.Tyr914Ter (NM_001291411.2, NM_032195.3); c.245-5183T>A (NM_001291412.3); short protein forms Y914*.
Identifiers: ClinVar variation 3959661 (VCV003959661.1).

ClinVar aggregate classification (germline): Pathogenic (1 of 4 stars; one submission).

Conditions:
Inborn genetic diseases. Identifiers: MedGen C0950123, MeSH D030342.

Submission:

Ambry Genetics
Classification: Pathogenic for Inborn genetic diseases. Last evaluated: 2025-04-25. Review status: criteria provided, single submitter. Criteria: Ambry Variant Classification Scheme 2023. Collection method: clinical testing. Allele origin: germline.
Comment: The c.2742T>A (p.Y914*) alteration, located in exon 3 (coding exon 3) of the SON gene, consists of a T to A substitution at nucleotide position 2742. This changes the amino acid from a tyrosine (Y) to a stop codon at amino acid position 914. This alteration is expected to result in loss of function by premature protein truncation or nonsense-mediated mRNA decay. This variant was not reported in population-based cohorts in the Genome Aggregation Database (gnomAD). Based on the available evidence, this alteration is classified as pathogenic.